The following is an entry in ClinVar:

ClinVar aggregate classification (germline): Conflicting classifications of pathogenicity. Review status: criteria provided, conflicting classifications (1 of 4 stars). 6 submissions from 6 submitters: Pathogenic (3); Uncertain significance (1). 2 of the submissions do not count toward it. Last evaluated 2026-01-12.

Conditions:
KRT9-related disorder. Also called: KRT9-related condition.
Epidermolytic palmoplantar keratoderma, 1 (EPPK1). Also called: PALMOPLANTAR KERATODERMA, EPIDERMOLYTIC, WITH KNUCKLE PADS; TYLOSIS. Identifiers: Orphanet 2199, MedGen CN377798, MONDO:0007758, OMIM 144200.
Palmoplantar keratoderma, epidermolytic. Also called: Localized epidermolytic hyperkeratosis. Identifiers: MedGen C1721006, MONDO:0968949, HP:0007559.

Submissions (6):

Labcorp Genetics (formerly Invitae), Labcorp
Classification: Pathogenic. Last evaluated: 2026-01-12. Review status: criteria provided, single submitter. Criteria: Invitae Variant Classification Sherloc (09022015). Collection method: clinical testing. Allele origin: germline.
Comment: This sequence change replaces methionine, which is neutral and non-polar, with threonine, which is neutral and polar, at codon 157 of the KRT9 protein (p.Met157Thr). This variant is not present in population databases (gnomAD no frequency). This missense change has been observed in individuals with clinical features of epidermolytic palmoplantar keratoderma (PMID: 9856842, 19548225, 19874353). It has also been observed to segregate with disease in related individuals. This variant is also known as 467T>C (M156T). ClinVar contains an entry for this variant (Variation ID: 3006). Invitae Evidence Modeling of protein sequence and biophysical properties (such as structural, functional, and spatial information, amino acid conservation, physicochemical variation, residue mobility, and thermodynamic stability) has been performed for this missense variant. However, the output from this modeling did not meet the statistical confidence thresholds required to predict the impact of this variant on KRT9 protein function. This variant disrupts the p.Met157 amino acid residue in KRT9. Other variant(s) that disrupt this residue have been determined to be pathogenic (PMID: 7516304, 9856842). This suggests that this residue is clinically significant, and that variants that disrupt this residue are likely to be disease-causing. For these reasons, this variant has been classified as Pathogenic.

Genomic Medicine Center of Excellence, King Faisal Specialist Hospital and Research Centre
Classification: Uncertain significance for Epidermolytic palmoplantar keratoderma, 1. Last evaluated: 2024-03-29. Review status: criteria provided, single submitter. Criteria: ACMG Guidelines, 2015. Collection method: clinical testing. Allele origin: germline.

Institute for Clinical Genetics, University Hospital TU Dresden, University Hospital TU Dresden
Classification: Pathogenic for Epidermolytic palmoplantar keratoderma, 1. Last evaluated: 2023-09-18. Review status: criteria provided, single submitter. Criteria: ACMG Guidelines, 2015. Collection method: clinical testing. Allele origin: germline. Affected: yes.
Comment: The missense variant in the KRT9 gene leads to an amino acid exchange at position 157 in the corresponding protein due to a base exchange at position 470 of the mRNA. This variant is listed 2 times in the ClinVar database, 1 of which is classified as a pathogenic variant. At the same amino acid position, further variants are deposited in the ClinVar database, some of which are classified as pathogenic (p.(Met157Val), p.(Met157Lys), p.(Met157Arg)). The gene does not empirically show increased sensitivity to missense variants (Z-score 0.199). Bioinformatic prediction algorithms estimate the effect of the variant on protein function to be deleterious (REVEL score 0.882), which has not been investigated in functional studies to date. In the gnomAD database, this variant has not been found in healthy individuals so far. The variant found here is a recurrent variant that has been described in many patient and segregated in several families with the disease (PMID: 19874353, PMID: 19548225, PMID: 9856842). The amino acid affected here is located in a hotspot region and is part of the helix initiation motif, which is important for the proper formation of heterodimers in keratins. According to current ACMG recommendations for variant assessment (PMID 25741868), the criteria PS4_MOD, PM1_STR, PM2_SUP, PM5, PP1_STR and PP3 are fulfilled, resulting in an assessment as a pathogenic variant (ACMG class 5).

Blueprint Genetics
Classification: Pathogenic for KRT9-related disorders. Last evaluated: 2021-03-15. Review status: criteria provided, single submitter. Criteria: ACMG Guidelines, 2015. Collection method: clinical testing. Allele origin: germline. Affected: yes. Observed: 1 variant allele.

OMIM
Classification: Pathogenic for PALMOPLANTAR KERATODERMA, EPIDERMOLYTIC, 1. Last evaluated: 2003-07-30. Review status: no assertion criteria provided. Collection method: literature only. Allele origin: germline. Not counted in ClinVar's aggregate classification.

Epithelial Biology;  Institute of Medical Biology, Singapore
No classification provided. Review status: no classification provided. Collection method: not provided. Allele origin: not provided. Not counted in ClinVar's aggregate classification.

Literature cited by the submitters: PubMed 9856842 (cited by Labcorp Genetics (formerly Invitae), Labcorp and OMIM); PubMed 19548225 (cited by Labcorp Genetics (formerly Invitae), Labcorp); PubMed 19874353 (cited by Labcorp Genetics (formerly Invitae), Labcorp); PubMed 7516304 (cited by Labcorp Genetics (formerly Invitae), Labcorp); PubMed 12838553 (cited by OMIM).

NM_000226.4(KRT9):c.470T>C (p.Met157Thr)

Gene: KRT9 (keratin 9; minus strand). Cytogenetic location: 17q21.2.
Variant type: single nucleotide variant.
Coding change: c.470T>C on transcript NM_000226.4 (MANE Select); coding-DNA position 470, T replaced by C.
Protein change: p.Met157Thr; replaces methionine 157 with threonine.
Molecular consequence: missense variant.
Genome position (GRCh38, 1-based): chr17:41,571,523, A>G on the plus strand (T>C on the coding strand, the complement: KRT9 is on the minus strand). VCF-style: chr17-41571523-A-G. GRCh37 (hg19) VCF-style: chr17-39727775-A-G.
Other names: short protein forms M157T.
Identifiers: ClinVar variation 3006 (VCV000003006.6), dbSNP rs59510579, ClinGen allele CA115912.